The following is an entry in ClinVar:

ClinVar aggregate classification (germline): Pathogenic (3 of 4 stars; one submission).

Conditions:
Breast-ovarian cancer, familial, susceptibility to, 2 (BROVCA2). Also called: BRCA2 Hereditary Breast and Ovarian Cancer. Identifiers: Orphanet 145, MedGen C2675520, MONDO:0012933, OMIM 612555. Disease mechanism: loss of function.

Submission:

Evidence-based Network for the Interpretation of Germline Mutant Alleles (ENIGMA)
Classification: Pathogenic for Breast-ovarian cancer, familial, susceptibility to, 2. Last evaluated: 2016-09-08. Review status: reviewed by expert panel. Criteria: ENIGMA BRCA1/2 Classification Criteria (2015). Collection method: curation. Allele origin: germline.
Comment: Variant allele predicted to encode a truncated non-functional protein.

NM_000059.4(BRCA2):c.2651C>A (p.Ser884Ter)

Gene: BRCA2 (BRCA2 DNA repair associated; plus strand). Cytogenetic location: 13q13.1.
Variant type: single nucleotide variant.
Coding change: c.2651C>A on transcript NM_000059.4 (MANE Select); coding-DNA position 2651, C replaced by A.
Protein change: p.Ser884Ter; replaces serine 884 with a stop codon.
Molecular consequence: nonsense.
Genome position (GRCh38, 1-based): chr13:32,337,006, C>A. VCF-style: chr13-32337006-C-A. GRCh37 (hg19) VCF-style: chr13-32911143-C-A.
Other names: short protein forms S884*.
Identifiers: ClinVar variation 254506 (VCV000254506.2), dbSNP rs777421358, ClinGen allele CA10586505.